The following is an entry in ClinVar:

NM_001029883.3(PCARE):c.814C>A (p.Gln272Lys)

Gene: PCARE (photoreceptor cilium actin regulator; minus strand). Cytogenetic location: 2p23.2.
Variant type: single nucleotide variant.
Coding change: c.814C>A on transcript NM_001029883.3 (MANE Select); coding-DNA position 814, C replaced by A.
Protein change: p.Gln272Lys; replaces glutamine 272 with lysine.
Molecular consequence: missense variant.
Genome position (GRCh38, 1-based): chr2:29,073,448, G>T on the plus strand (C>A on the coding strand, the complement: PCARE is on the minus strand). VCF-style: chr2-29073448-G-T. GRCh37 (hg19) VCF-style: chr2-29296314-G-T.
Other names: short protein forms Q272K.
Identifiers: ClinVar variation 1020010 (VCV001020010.10), dbSNP rs1015657190, ClinGen allele CA44643641.

ClinVar aggregate classification (germline): Uncertain significance. Review status: criteria provided, multiple submitters, no conflicts (2 of 4 stars). 2 submissions from 2 submitters: Uncertain significance (2). Last evaluated 2021-09-06.

Allele frequency attached by ClinVar (database versions not stated): gnomAD 0.00001; gnomAD exomes 0.00001; TOPMed 0.00003.

Submissions (2):

Blueprint Genetics
Classification: Uncertain significance. Last evaluated: 2021-09-06. Review status: criteria provided, single submitter. Criteria: ACMG Guidelines, 2015. Collection method: clinical testing. Allele origin: germline.

Labcorp Genetics (formerly Invitae), Labcorp
Classification: Uncertain significance. Last evaluated: 2020-12-04. Review status: criteria provided, single submitter. Criteria: Invitae Variant Classification Sherloc (09022015). Collection method: clinical testing. Allele origin: germline.
Comment: In summary, the available evidence is currently insufficient to determine the role of this variant in disease. Therefore, it has been classified as a Variant of Uncertain Significance. Algorithms developed to predict the effect of missense changes on protein structure and function (SIFT, PolyPhen-2, Align-GVGD) all suggest that this variant is likely to be disruptive, but these predictions have not been confirmed by published functional studies and their clinical significance is uncertain. This variant has not been reported in the literature in individuals with PCARE-related conditions. This variant is not present in population databases (ExAC no frequency). This sequence change replaces glutamine with lysine at codon 272 of the PCARE protein (p.Gln272Lys). The glutamine residue is highly conserved and there is a small physicochemical difference between glutamine and lysine.